The following is an entry in ClinVar:

NM_144687.4(NLRP12):c.476G>A (p.Arg159Gln)

Gene: NLRP12 (NLR family pyrin domain containing 12; minus strand). Cytogenetic location: 19q13.42.
Variant type: single nucleotide variant.
Coding change: c.476G>A on transcript NM_144687.4 (MANE Select); coding-DNA position 476, G replaced by A.
Protein change: p.Arg159Gln; replaces arginine 159 with glutamine.
Molecular consequence: missense variant.
Genome position (GRCh38, 1-based): chr19:53,811,183, C>T on the plus strand (G>A on the coding strand, the complement: NLRP12 is on the minus strand). VCF-style: chr19-53811183-C-T. GRCh37 (hg19) VCF-style: chr19-54314437-C-T.
Other names: c.476G>A, p.Arg159Gln (NM_001277126.2, NM_001277129.1); short protein forms R159Q.
Identifiers: ClinVar variation 3021431 (VCV003021431.3), dbSNP rs1346585060, ClinGen allele CA407416810.

ClinVar aggregate classification (germline): Uncertain significance (1 of 4 stars; one submission).

Conditions:
Familial cold autoinflammatory syndrome 2 (FCAS2). Identifiers: Orphanet 247868, MedGen C2673198, MONDO:0012724, OMIM 611762.

Allele frequency attached by ClinVar (database versions not stated): gnomAD exomes below 0.00001; gnomAD 0.00001; TOPMed 0.00001.
gnomAD v4.1: 4 of 1,613,940 alleles (0.00025%); highest among the groups gnomAD compares: African/African-American, 0.0027%; no homozygotes.

Submission:

Labcorp Genetics (formerly Invitae), Labcorp
Classification: Uncertain significance for Familial cold autoinflammatory syndrome 2. Last evaluated: 2023-10-13. Review status: criteria provided, single submitter. Criteria: Invitae Variant Classification Sherloc (09022015). Collection method: clinical testing. Allele origin: germline.
Comment: This sequence change replaces arginine, which is basic and polar, with glutamine, which is neutral and polar, at codon 159 of the NLRP12 protein (p.Arg159Gln). This variant is present in population databases (no rsID available, gnomAD 0.003%). This variant has not been reported in the literature in individuals affected with NLRP12-related conditions. An algorithm developed to predict the effect of missense changes on protein structure and function (PolyPhen-2) suggests that this variant is likely to be tolerated. In summary, the available evidence is currently insufficient to determine the role of this variant in disease. Therefore, it has been classified as a Variant of Uncertain Significance.